The following is an entry in ClinVar:

ClinVar aggregate classification (germline): Uncertain significance. Review status: criteria provided, multiple submitters, no conflicts (2 of 4 stars). 2 submissions from 2 submitters: Uncertain significance (2). Last evaluated 2025-06-12.

Conditions:
Cardiovascular phenotype. Identifiers: MedGen CN230736.

Allele frequency attached by ClinVar (database versions not stated): gnomAD 0.00003; gnomAD exomes 0.00002; TOPMed 0.00002.

Submissions (2):

Labcorp Genetics (formerly Invitae), Labcorp
Classification: Uncertain significance. Last evaluated: 2025-06-12. Review status: criteria provided, single submitter. Criteria: Invitae Variant Classification Sherloc (09022015). Collection method: clinical testing. Allele origin: germline.
Comment: This sequence change replaces glutamic acid, which is acidic and polar, with lysine, which is basic and polar, at codon 171 of the APOA1 protein (p.Glu171Lys). This variant is present in population databases (no rsID available, gnomAD 0.007%). This variant has not been reported in the literature in individuals affected with APOA1-related conditions. ClinVar contains an entry for this variant (Variation ID: 1745466). An algorithm developed to predict the effect of missense changes on protein structure and function outputs the following: PolyPhen-2: "Benign". The lysine amino acid residue is found in multiple mammalian species, which suggests that this missense change does not adversely affect protein function. In summary, the available evidence is currently insufficient to determine the role of this variant in disease. Therefore, it has been classified as a Variant of Uncertain Significance.

Ambry Genetics
Classification: Uncertain significance for Cardiovascular phenotype. Last evaluated: 2024-08-12. Review status: criteria provided, single submitter. Criteria: Ambry Variant Classification Scheme 2023. Collection method: clinical testing. Allele origin: germline.
Comment: The p.E171K variant (also known as c.511G>A), located in coding exon 3 of the APOA1 gene, results from a G to A substitution at nucleotide position 511. The glutamic acid at codon 171 is replaced by lysine, an amino acid with similar properties. This amino acid position is conserved. In addition, this alteration is predicted to be tolerated by in silico analysis. Since supporting evidence is limited at this time, the clinical significance of this alteration remains unclear.

NM_000039.3(APOA1):c.511G>A (p.Glu171Lys)

Gene: APOA1 (apolipoprotein A1; minus strand). Cytogenetic location: 11q23.3.
Variant type: single nucleotide variant.
Coding change: c.511G>A on transcript NM_000039.3 (MANE Select); coding-DNA position 511, G replaced by A.
Protein change: p.Glu171Lys; replaces glutamic acid 171 with lysine.
Molecular consequence: missense variant.
Genome position (GRCh38, 1-based): chr11:116,836,101, C>T on the plus strand (G>A on the coding strand, the complement: APOA1 is on the minus strand). VCF-style: chr11-116836101-C-T. GRCh37 (hg19) VCF-style: chr11-116706817-C-T.
Other names: c.511G>A, p.Glu171Lys (NM_001318017.2, NM_001318018.2); c.184G>A, p.Glu62Lys (NM_001318021.2); short protein forms E62K, E171K.
Identifiers: ClinVar variation 1745466 (VCV001745466.6), dbSNP rs1378347797, ClinGen allele CA382715408.